The following is an entry in ClinVar:

NM_001011658.4(TRAPPC2):c.*1739C>G

Gene: TRAPPC2 (trafficking protein particle complex subunit 2; minus strand). Cytogenetic location: Xp22.2.
Variant type: single nucleotide variant.
Coding change: c.*1739C>G on transcript NM_001011658.4 (MANE Select); 1739 bases downstream of the stop codon, C replaced by G.
Molecular consequence: 3 prime UTR variant.
Genome position (GRCh38, 1-based): chrX:13,712,668, G>C on the plus strand (C>G on the coding strand, the complement: TRAPPC2 is on the minus strand). VCF-style: chrX-13712668-G-C. GRCh37 (hg19) VCF-style: chrX-13730787-G-C.
Other names: c.*1739C>G (NM_001128835.3, NM_014563.6).
Identifiers: ClinVar variation 367968 (VCV000367968.6), dbSNP rs7716, ClinGen allele CA10645985.

ClinVar aggregate classification (germline): Benign. Review status: criteria provided, multiple submitters, no conflicts (2 of 4 stars). 2 submissions from 2 submitters: Benign (2). Last evaluated 2017-04-27.

Conditions:
Spondyloepiphyseal dysplasia tarda (SEDT). Also called: SPONDYLOEPIPHYSEAL DYSPLASIA, LATE. Identifiers: Orphanet 93284, MedGen CN033239, MONDO:0019667.

Allele frequency attached by ClinVar (database versions not stated): gnomAD 0.70553; TOPMed 0.71776; 1000 Genomes Project 0.77298; 1000 Genomes Project 30x 0.77648; gnomAD exomes 0.80000.

Submissions (2):

Illumina Laboratory Services, Illumina
Classification: Benign for Spondyloepiphyseal dysplasia tarda, X-linked. Last evaluated: 2017-04-27. Review status: criteria provided, single submitter. Criteria: ICSL Variant Classification Criteria 13 December 2019. Collection method: clinical testing. Allele origin: germline.
Comment: This variant was observed as part of a predisposition screen in an ostensibly healthy population. A literature search was performed for the gene, cDNA change, and amino acid change (where applicable). No publications were found based on this search. Allele frequency data from public databases was too high to be consistent with this variant causing disease. Therefore, this variant is classified as benign.

Breakthrough Genomics
Classification: Benign. Review status: criteria provided, single submitter. Criteria: ACMG Guidelines, 2015. Collection method: not provided. Allele origin: germline. Inheritance: X-linked inheritance. Affected: yes.